The following is an entry in ClinVar:

ClinVar aggregate classification (germline): Likely benign (1 of 4 stars; one submission).

Submission:

CeGaT Center for Human Genetics Tuebingen
Classification: Likely benign. Last evaluated: 2024-01-01. Review status: criteria provided, single submitter. Criteria: CeGaT Center For Human Genetics Tuebingen Variant Classification Criteria Version 2. Collection method: clinical testing. Allele origin: germline. Affected: yes. Observed: 1 variant allele.
Comment: ZNF530: PM2:Supporting, BP4, BP7

NM_001321981.2(ZNF530):c.756C>T (p.His252=)

Gene: ZNF530 (zinc finger protein 530; plus strand). Cytogenetic location: 19q13.43.
Variant type: single nucleotide variant.
Coding change: c.756C>T on transcript NM_001321981.2 (MANE Select); coding-DNA position 756, C replaced by T.
Protein change: p.His252=; no amino-acid change (histidine 252 retained).
Molecular consequence: synonymous variant. On other transcripts: non-coding transcript variant (1).
Genome position (GRCh38, 1-based): chr19:57,606,380, C>T. VCF-style: chr19-57606380-C-T. GRCh37 (hg19) VCF-style: chr19-58117748-C-T.
Other names: c.756C>T, p.His252= (NM_001387561.1); c.852C>T, p.His284= (NM_001387562.1); c.855C>T, p.His285= (NM_001387563.1, NM_020880.5).
Identifiers: ClinVar variation 3025079 (VCV003025079.22), dbSNP rs1262478109, ClinGen allele CA508968313.